The following is an entry in ClinVar:

NM_014855.3(AP5Z1):c.2155G>A (p.Ala719Thr)

Gene: AP5Z1 (adaptor related protein complex 5 subunit zeta 1; plus strand). Cytogenetic location: 7p22.1.
Variant type: single nucleotide variant.
Coding change: c.2155G>A on transcript NM_014855.3 (MANE Select); coding-DNA position 2155, G replaced by A.
Protein change: p.Ala719Thr; replaces alanine 719 with threonine.
Molecular consequence: missense variant. On other transcripts: non-coding transcript variant (1).
Genome position (GRCh38, 1-based): chr7:4,791,116, G>A. VCF-style: chr7-4791116-G-A. GRCh37 (hg19) VCF-style: chr7-4830747-G-A.
Other names: c.2155G>A, p.Ala719Thr (LRG_1247t1); c.1687G>A, p.Ala563Thr (NM_001364858.1); short protein forms A563T, A719T.
Identifiers: ClinVar variation 641876 (VCV000641876.8), dbSNP rs780512257, ClinGen allele CA4138362.

ClinVar aggregate classification (germline): Uncertain significance (1 of 4 stars; one submission).

Conditions:
Hereditary spastic paraplegia 48. Also called: SPASTIC PARAPLEGIA 48, AUTOSOMAL RECESSIVE; Spastic paraplegia 48. Identifiers: Orphanet 306511, MedGen C3150901, MONDO:0013342, OMIM 613647.

Allele frequency attached by ClinVar (database versions not stated): ExAC 0.00002.
gnomAD v4.1: 34 of 1,587,398 alleles (0.0021%); highest among the groups gnomAD compares: Non-Finnish European, 0.0027%; no homozygotes.

Submission:

Labcorp Genetics (formerly Invitae), Labcorp
Classification: Uncertain significance for Hereditary spastic paraplegia 48. Last evaluated: 2025-10-14. Review status: criteria provided, single submitter. Criteria: Invitae Variant Classification Sherloc (09022015). Collection method: clinical testing. Allele origin: germline.
Comment: This sequence change replaces alanine, which is neutral and non-polar, with threonine, which is neutral and polar, at codon 719 of the AP5Z1 protein (p.Ala719Thr). The frequency data for this variant in the population databases is considered unreliable, as metrics indicate poor data quality at this position in the gnomAD database. This variant has not been reported in the literature in individuals affected with AP5Z1-related conditions. ClinVar contains an entry for this variant (Variation ID: 641876). An algorithm developed to predict the effect of missense changes on protein structure and function outputs the following: PolyPhen-2: "Benign". The threonine amino acid residue is found in multiple mammalian species, which suggests that this missense change does not adversely affect protein function. In summary, the available evidence is currently insufficient to determine the role of this variant in disease. Therefore, it has been classified as a Variant of Uncertain Significance.